The following is an entry in ClinVar:

ClinVar aggregate classification (germline): Uncertain significance (1 of 4 stars; one submission).

Allele frequency attached by ClinVar (database versions not stated): gnomAD 0.00001; gnomAD exomes 0.00001; TOPMed 0.00002.
gnomAD v4.1: 42 of 1,612,152 alleles (0.0026%); highest among the groups gnomAD compares: South Asian, 0.0055%; no homozygotes.

Submission:

Labcorp Genetics (formerly Invitae), Labcorp
Classification: Uncertain significance. Last evaluated: 2026-02-01. Review status: criteria provided, single submitter. Criteria: Invitae Variant Classification Sherloc (09022015). Collection method: clinical testing. Allele origin: germline.
Comment: This sequence change replaces arginine, which is basic and polar, with glutamine, which is neutral and polar, at codon 998 of the RIMS1 protein (p.Arg998Gln). This variant is present in population databases (no rsID available, gnomAD 0.004%). This variant has not been reported in the literature in individuals affected with RIMS1-related conditions. ClinVar contains an entry for this variant (Variation ID: 1044349). An algorithm developed to predict the effect of missense changes on protein structure and function (PolyPhen-2) suggests that this variant is likely to be disruptive. In summary, the available evidence is currently insufficient to determine the role of this variant in disease. Therefore, it has been classified as a Variant of Uncertain Significance.

NM_014989.7(RIMS1):c.2993G>A (p.Arg998Gln)

Gene: RIMS1 (regulating synaptic membrane exocytosis 1; plus strand). Cytogenetic location: 6q13.
Variant type: single nucleotide variant.
Coding change: c.2993G>A on transcript NM_014989.7 (MANE Select); coding-DNA position 2993, G replaced by A.
Protein change: p.Arg998Gln; replaces arginine 998 with glutamine.
Molecular consequence: missense variant.
Genome position (GRCh38, 1-based): chr6:72,259,051, G>A. VCF-style: chr6-72259051-G-A. GRCh37 (hg19) VCF-style: chr6-72968754-G-A.
Other names: c.1412G>A, p.Arg471Gln (NM_001168407.2, NM_001350415.2, NM_001350418.2 and 19 more transcripts); c.1415G>A, p.Arg472Gln (NM_001168408.2, NM_001350414.2, NM_001350416.2 and 15 more transcripts); c.1172G>A, p.Arg391Gln (NM_001168409.2, NM_001350464.2, NM_001350465.2 and 3 more transcripts); c.1370G>A, p.Arg457Gln (NM_001168410.2, NM_001350470.2, NM_001350473.2 and 1 more transcripts); c.1343G>A, p.Arg448Gln (NM_001350421.2, NM_001350430.2, NM_001350437.2 and 2 more transcripts); c.1346G>A, p.Arg449Gln (NM_001350424.2, NM_001350428.2, NM_001350459.2 and 1 more transcripts); c.1169G>A, p.Arg390Gln (NM_001350461.2, NM_001350463.2, NM_001350468.2); c.1367G>A, p.Arg456Gln (NM_001350472.2); short protein forms R471Q, R449Q, R457Q, R456Q, R998Q, R390Q, R391Q, R448Q.
Identifiers: ClinVar variation 1044349 (VCV001044349.10), dbSNP rs1414432029, ClinGen allele CA364683218.
Genomic context (GRCh38, chr6:72,259,051, plus strand): 5'-TAGATGAAATTCATCCAACAAGAAGGTCACGTTCTCCAACCAGACACCATGATGCCTCCC[G>A]AAGTCCAGTTGATCATAGAACCAGAGATGTGGATAGTCAGTATTTATCAGAACAAGACAG-3'
Protein context (NP_055804.2, residues 988-1008): RSPTRHHDAS[Arg998Gln]SPVDHRTRDV